The following is an entry in ClinVar:

ClinVar aggregate classification (germline): Uncertain significance (1 of 4 stars; one submission).

Conditions:
Adams-Oliver syndrome 5 (AOS5). Identifiers: Orphanet 974, MedGen C4014970, MONDO:0014459, OMIM 616028.

Allele frequency attached by ClinVar (database versions not stated): gnomAD exomes below 0.00001.
gnomAD v4.1: 1 of 1,610,944 alleles (0.000062%); highest among the groups gnomAD compares: Non-Finnish European, 0.000085%; no homozygotes.

Submission:

Labcorp Genetics (formerly Invitae), Labcorp
Classification: Uncertain significance for Adams-Oliver syndrome 5. Last evaluated: 2020-07-22. Review status: criteria provided, single submitter. Criteria: Invitae Variant Classification Sherloc (09022015). Collection method: clinical testing. Allele origin: germline.
Comment: In summary, the available evidence is currently insufficient to determine the role of this variant in disease. Therefore, it has been classified as a Variant of Uncertain Significance. Algorithms developed to predict the effect of missense changes on protein structure and function (SIFT, PolyPhen-2, Align-GVGD) all suggest that this variant is likely to be disruptive, but these predictions have not been confirmed by published functional studies and their clinical significance is uncertain. This variant has not been reported in the literature in individuals with NOTCH1-related conditions. This variant is not present in population databases (ExAC no frequency). This sequence change replaces leucine with serine at codon 1932 of the NOTCH1 protein (p.Leu1932Ser). The leucine residue is highly conserved and there is a large physicochemical difference between leucine and serine.

NM_017617.5(NOTCH1):c.5795T>C (p.Leu1932Ser)

Gene: NOTCH1 (notch receptor 1; minus strand). Cytogenetic location: 9q34.3.
Variant type: single nucleotide variant.
Coding change: c.5795T>C on transcript NM_017617.5 (MANE Select); coding-DNA position 5795, T replaced by C.
Protein change: p.Leu1932Ser; replaces leucine 1932 with serine.
Molecular consequence: missense variant.
Genome position (GRCh38, 1-based): chr9:136,500,691, A>G on the plus strand (T>C on the coding strand, the complement: NOTCH1 is on the minus strand). VCF-style: chr9-136500691-A-G. GRCh37 (hg19) VCF-style: chr9-139395143-A-G.
Other names: short protein forms L1932S.
Identifiers: ClinVar variation 1000465 (VCV001000465.8), dbSNP rs1842981231, ClinGen allele CA375637074.